The following is an entry in ClinVar:

ClinVar aggregate classification (germline): Uncertain significance (1 of 4 stars; one submission).

Allele frequency attached by ClinVar (database versions not stated): gnomAD 0.00001; ExAC 0.00002; TOPMed 0.00002; gnomAD exomes 0.00003.
gnomAD v4.1: 53 of 1,613,938 alleles (0.0033%); highest among the groups gnomAD compares: East Asian, 0.0067%; no homozygotes.

Submission:

Labcorp Genetics (formerly Invitae), Labcorp
Classification: Uncertain significance. Last evaluated: 2025-10-21. Review status: criteria provided, single submitter. Criteria: Invitae Variant Classification Sherloc (09022015). Collection method: clinical testing. Allele origin: germline.
Comment: This sequence change replaces valine, which is neutral and non-polar, with methionine, which is neutral and non-polar, at codon 588 of the ADGRE2 protein (p.Val588Met). This variant is present in population databases (rs377307217, gnomAD 0.01%). This variant has not been reported in the literature in individuals affected with ADGRE2-related conditions. ClinVar contains an entry for this variant (Variation ID: 2177018). An algorithm developed to predict the effect of missense changes on protein structure and function outputs the following: PolyPhen-2: "Benign". The methionine amino acid residue is found in multiple mammalian species, which suggests that this missense change does not adversely affect protein function. In summary, the available evidence is currently insufficient to determine the role of this variant in disease. Therefore, it has been classified as a Variant of Uncertain Significance.

NM_013447.4(ADGRE2):c.1762G>A (p.Val588Met)

Gene: ADGRE2 (adhesion G protein-coupled receptor E2; minus strand). Cytogenetic location: 19p13.12.
Variant type: single nucleotide variant.
Coding change: c.1762G>A on transcript NM_013447.4 (MANE Select); coding-DNA position 1762, G replaced by A.
Protein change: p.Val588Met; replaces valine 588 with methionine.
Molecular consequence: missense variant.
Genome position (GRCh38, 1-based): chr19:14,752,355, C>T on the plus strand (G>A on the coding strand, the complement: ADGRE2 is on the minus strand). VCF-style: chr19-14752355-C-T. GRCh37 (hg19) VCF-style: chr19-14863167-C-T.
Other names: c.1588G>A, p.Val530Met (NM_001271052.1); c.1615G>A, p.Val539Met (NM_152916.2); c.1483G>A, p.Val495Met (NM_152917.2); short protein forms V530M, V588M, V495M, V539M.
Identifiers: ClinVar variation 2177018 (VCV002177018.4), dbSNP rs377307217, ClinGen allele CA9257619.